The following is an entry in ClinVar:

ClinVar aggregate classification (germline): Uncertain significance (1 of 4 stars; one submission).

gnomAD v4.1: 2 of 1,613,626 alleles (0.00012%); highest among the groups gnomAD compares: Non-Finnish European, 0.00017%; no homozygotes.

Submission:

GeneDx
Classification: Uncertain significance. Last evaluated: 2023-06-23. Review status: criteria provided, single submitter. Criteria: GeneDx Variant Classification Process June 2021. Collection method: clinical testing. Allele origin: germline. Affected: yes.
Comment: Not observed at significant frequency in large population cohorts (gnomAD); In silico analysis supports that this missense variant has a deleterious effect on protein structure/function; Has not been previously published as pathogenic or benign to our knowledge

NM_000884.3(IMPDH2):c.890T>A (p.Leu297His)

Gene: IMPDH2 (inosine monophosphate dehydrogenase 2; minus strand). Cytogenetic location: 3p21.31.
Variant type: single nucleotide variant.
Coding change: c.890T>A on transcript NM_000884.3 (MANE Select); coding-DNA position 890, T replaced by A.
Protein change: p.Leu297His; replaces leucine 297 with histidine.
Molecular consequence: missense variant.
Genome position (GRCh38, 1-based): chr3:49,026,539, A>T on the plus strand (T>A on the coding strand, the complement: IMPDH2 is on the minus strand). VCF-style: chr3-49026539-A-T. GRCh37 (hg19) VCF-style: chr3-49063972-A-T.
Other names: c.890T>A, p.Leu297His (NM_001410759.1); c.815T>A, p.Leu272His (NM_001410760.1, NM_001410761.1); short protein forms L272H, L297H.
Identifiers: ClinVar variation 3360360 (VCV003360360.1).
Genomic context (GRCh38, chr3:49,026,539, plus strand): 5'-ACTCCCACCACACATCCTTCAGGGCACAATCTTGCCTTACCATTGCCTCCAATGACTTGG[A>T]GATTAGGGTATTTGTCTTTGATGTACTTGATCATATTGATCTGGAAGATGGAATTTCCCT-3'
Protein context (NP_000875.2, residues 287-307): IKYIKDKYPN[Leu297His]QVIGGNVVTA